The following is an entry in ClinVar:

NM_000548.5(TSC2):c.538C>G (p.Leu180Val)

Gene: TSC2 (TSC complex subunit 2; plus strand). Cytogenetic location: 16p13.3.
Variant type: single nucleotide variant.
Coding change: c.538C>G on transcript NM_000548.5 (MANE Select); coding-DNA position 538, C replaced by G.
Protein change: p.Leu180Val; replaces leucine 180 with valine.
Molecular consequence: missense variant. On other transcripts: intron variant (1).
Genome position (GRCh38, 1-based): chr16:2,055,458, C>G. VCF-style: chr16-2055458-C-G. GRCh37 (hg19) VCF-style: chr16-2105459-C-G.
Other names: c.538C>G, p.Leu180Val (NM_001077183.3, NM_001114382.3, NM_001363528.2 and 3 more transcripts); c.427C>G, p.Leu143Val (NM_001318827.2); c.391C>G, p.Leu131Val (NM_001318829.2); c.571C>G, p.Leu191Val (NM_001318832.2); c.-1-738C>G (NM_001318831.2); short protein forms L180V, L191V, L131V, L143V.
Identifiers: ClinVar variation 49846 (VCV000049846.49), dbSNP rs45485591, ClinGen allele CA022465.

ClinVar aggregate classification (germline): Conflicting classifications of pathogenicity. Review status: criteria provided, conflicting classifications (1 of 4 stars). 16 submissions from 16 submitters: Uncertain significance (6); Benign (1); Likely benign (7). 2 of the submissions do not count toward it. Last evaluated 2026-06-01.

Conditions:
Hereditary cancer-predisposing syndrome. Also called: Hereditary Cancer Syndrome; Tumor predisposition; Neoplastic Syndromes, Hereditary; Hereditary neoplastic syndrome. Identifiers: Orphanet 140162, MedGen C0027672, MeSH D009386, MONDO:0015356.
Tuberous sclerosis syndrome (TSC). Also called: Tuberous Sclerosis Complex; Tuberous sclerosis. Identifiers: Orphanet 805, MedGen C0041341, MONDO:0001734.
Tuberous sclerosis 2 (TSC2). Identifiers: Orphanet 805, MedGen C1860707, MONDO:0013199, OMIM 613254.
Seizure. Also called: Seizures. Identifiers: MedGen C0036572, HP:0001250.

Allele frequency attached by ClinVar (database versions not stated): ExAC 0.00001; gnomAD exomes 0.00002; gnomAD 0.00003; TOPMed 0.00003; ESP Exome Variant Server 0.00008.
gnomAD v4.1: 38 of 1,614,080 alleles (0.0024%); highest among the groups gnomAD compares: Non-Finnish European, 0.0031%; no homozygotes.

Submissions (16):

CeGaT Center for Human Genetics Tuebingen
Classification: Uncertain significance. Last evaluated: 2026-06-01. Review status: criteria provided, single submitter. Criteria: CeGaT Center For Human Genetics Tuebingen Variant Classification Criteria Version 2. Collection method: clinical testing. Allele origin: germline. Affected: yes. Observed: 1 variant allele.

Labcorp Genetics (formerly Invitae), Labcorp
Classification: Benign for Tuberous sclerosis 2. Last evaluated: 2026-02-02. Review status: criteria provided, single submitter. Criteria: Invitae Variant Classification Sherloc (09022015). Collection method: clinical testing. Allele origin: germline.

Women's Health and Genetics/Laboratory Corporation of America, LabCorp
Classification: Likely benign. Last evaluated: 2025-10-28. Review status: criteria provided, single submitter. Criteria: LabCorp Variant Classification Summary - May 2015. Collection method: clinical testing. Allele origin: germline.
Comment: Variant summary: TSC2 c.538C>G (p.Leu180Val) results in a conservative amino acid change in the encoded protein sequence. Algorithms developed to predict the effect of missense changes on protein structure and function are either unavailable or do not agree on the potential impact of this missense change. The variant allele was found at a frequency of 2.4e-05 in 1607086 control chromosomes, predominantly at a frequency of 3.1e-05 within the Non-Finnish European subpopulation in the gnomAD database. The occurrence in several carriers suggests that this variant is likely not associated with a high penetrance, severe, early onset disease phenotype in heterozygous state. To our knowledge, no occurrence of c.538C>G in individuals affected with TSC2-related conditions and no experimental evidence demonstrating its impact on protein function have been reported. The following publications have been ascertained in the context of this evaluation (PMID: 17304050, 17287951). ClinVar contains an entry for this variant (Variation ID: 49846). Based on the evidence outlined above, the variant was classified as likely benign.

All of Us Research Program, National Institutes of Health
Classification: Likely benign for Tuberous sclerosis syndrome. Last evaluated: 2024-09-23. Review status: criteria provided, single submitter. Criteria: ACMG Guidelines, 2015. Collection method: clinical testing. Allele origin: germline. Inheritance: Autosomal dominant inheritance. Observed: 25 variant alleles, 25 heterozygotes.
Comment: This study involves interpretation of variants in research participants for the purpose of population health screening. Participant phenotype was not available at the time of variant classification. Additional details can be found in publication PMID: 35346344, PMCID: PMC8962531

Blueprint Genetics
Classification: Likely benign. Last evaluated: 2024-03-19. Review status: criteria provided, single submitter. Criteria: ACMG Guidelines, 2015. Collection method: clinical testing. Allele origin: germline.

Color Diagnostics, LLC DBA Color Health
Classification: Likely benign for Tuberous sclerosis syndrome. Last evaluated: 2022-09-12. Review status: criteria provided, single submitter. Criteria: ACMG Guidelines, 2015. Collection method: clinical testing. Allele origin: germline.

Genome-Nilou Lab
Classification: Likely benign for Tuberous sclerosis 2. Last evaluated: 2021-11-07. Review status: criteria provided, single submitter. Criteria: ACMG Guidelines, 2015. Collection method: clinical testing. Allele origin: germline. Affected: no.

Institute for Clinical Genetics, University Hospital TU Dresden, University Hospital TU Dresden
Classification: Uncertain significance. Last evaluated: 2021-11-03. Review status: criteria provided, single submitter. Criteria: ACMG Guidelines, 2015. Collection method: clinical testing. Allele origin: germline.

Ambry Genetics
Classification: Likely benign for Hereditary cancer-predisposing syndrome. Last evaluated: 2021-08-11. Review status: criteria provided, single submitter. Criteria: Ambry Variant Classification Scheme 2023. Collection method: clinical testing. Allele origin: germline.

Quest Diagnostics Nichols Institute San Juan Capistrano
Classification: Uncertain significance. Last evaluated: 2021-07-30. Review status: criteria provided, single submitter. Criteria: Quest Diagnostics criteria. Collection method: clinical testing. Allele origin: unknown.

Mendelics
Classification: Uncertain significance for Tuberous sclerosis 2. Last evaluated: 2019-05-28. Review status: criteria provided, single submitter. Criteria: Mendelics Assertion Criteria 2017. Collection method: clinical testing. Allele origin: unknown.

GeneDx
Classification: Likely benign. Last evaluated: 2018-02-19. Review status: criteria provided, single submitter. Criteria: GeneDx Variant Classification (06012015). Collection method: clinical testing. Allele origin: germline. Affected: yes.
Comment: This variant is considered likely benign or benign based on one or more of the following criteria: it is a conservative change, it occurs at a poorly conserved position in the protein, it is predicted to be benign by multiple in silico algorithms, and/or has population frequency not consistent with disease.

Illumina Laboratory Services, Illumina
Classification: Uncertain significance for Tuberous sclerosis syndrome. Last evaluated: 2018-01-13. Review status: criteria provided, single submitter. Criteria: ICSL Variant Classification Criteria 13 December 2019. Collection method: clinical testing. Allele origin: germline.

Eurofins Ntd Llc (ga)
Classification: Uncertain significance. Last evaluated: 2017-09-14. Review status: criteria provided, single submitter. Criteria: EGL Classification Definitions 2015. Collection method: clinical testing. Allele origin: germline. Observed: 1 variant allele, 1 heterozygote.

Clinical Molecular Genetics Laboratory, Johns Hopkins All Children's Hospital
Classification: Uncertain significance for Seizures. Last evaluated: 2016-12-19. Review status: no assertion criteria provided. Collection method: clinical testing. Allele origin: germline. Affected: yes. Not counted in ClinVar's aggregate classification.

Tuberous sclerosis database (TSC2)
No classification provided. Condition: TSC. Review status: no classification provided. Criteria: Tuberous Sclerosis Database Assertion Criteria 2015. Collection method: curation. Allele origin: germline. Affected: yes. Not counted in ClinVar's aggregate classification.

Literature cited by the submitters: PubMed 17304050 (cited by Women's Health and Genetics/Laboratory Corporation of America, LabCorp and Quest Diagnostics Nichols Institute San Juan Capistrano); PubMed 17287951 (cited by Women's Health and Genetics/Laboratory Corporation of America, LabCorp).